The following is an entry in ClinVar:

NM_000419.5(ITGA2B):c.989A>T (p.Asn330Ile)

Gene: ITGA2B (integrin subunit alpha 2b; minus strand). Cytogenetic location: 17q21.31.
Variant type: single nucleotide variant.
Coding change: c.989A>T on transcript NM_000419.5 (MANE Select); coding-DNA position 989, A replaced by T.
Protein change: p.Asn330Ile; replaces asparagine 330 with isoleucine.
Molecular consequence: missense variant.
Genome position (GRCh38, 1-based): chr17:44,383,903, T>A on the plus strand (A>T on the coding strand, the complement: ITGA2B is on the minus strand). VCF-style: chr17-44383903-T-A. GRCh37 (hg19) VCF-style: chr17-42461271-T-A.
Other names: NM_000419.5:c.989A>T; short protein forms N330I.
Identifiers: ClinVar variation 3391413 (VCV003391413.1).

ClinVar aggregate classification (germline): Likely pathogenic (3 of 4 stars; one submission).

Conditions:
Glanzmann thrombasthenia. Also called: BLEEDING DISORDER, PLATELET-TYPE, 2; THROMBASTHENIA OF GLANZMANN AND NAEGELI; Thrombasthenia; Glanzmann's thrombasthenia; PLATELET GLYCOPROTEIN IIb-IIIa DEFICIENCY. Identifiers: Orphanet 849, MedGen C0040015, MONDO:0100326.

Submission:

ClinGen Platelet Disorders Variant Curation Expert Panel, ClinGen
Classification: Likely pathogenic for Glanzmann thrombasthenia. Last evaluated: 2024-12-17. Review status: reviewed by expert panel. Criteria: ClinGen Platelet ACMG Specifications v2-1. Collection method: curation. Allele origin: germline. Inheritance: Autosomal recessive inheritance.
Comment: The c.989A>T variant in ITGA2B is a missense variant predicted to cause substitution of Asparagine by Isoleucine at amino acid 330 (p.Asn330Ile). At least one patient (Patient 6 in PMID:36672149) with this variant displayed mucocutaneous bleeding and impaired aggregation with all agonists except ristocetin, which is highly specific for Glanzmann thrombasthenia. Additionally, αIIb and β3 surface expression were reduced to 4% and 9%, respectively, as measured by flow cytometry. ITGA2B and ITGB3 were sequenced across all exons and intron/exon boundaries (PP4_Strong). The computational predictor REVEL gives a score of 0.796, which is above the ClinGen PD VCEP threshold of >0.7 and predicts a damaging effect on function (PP3). This variant is absent from gnomAD v4.1.0 (PM2_Supporting). In summary, this variant meets the criteria to be classified as Likely Pathogenic for autosomal recessive Glanzmann Thrombasthenia based on the ACMG/AMP criteria applied, as specified by the ClinGen PD VCEP: PP4_Strong, PM3_Supporting, PM2_Supporting and PP3 (VCEP specifications version 2; date of approval 12/17/2024).